The following is an entry in ClinVar:

NM_001134363.3(RBM20):c.132_149dup (p.44PPPPPQ[3])

Gene: RBM20 (RNA binding motif protein 20; plus strand). Cytogenetic location: 10q25.2.
Variant type: Duplication.
Coding change: c.132_149dup on transcript NM_001134363.3 (MANE Select); coding-DNA positions 132 to 149, 18 bases duplicated (GCCGCCGCCGCCCCAGCC).
Protein change: p.44PPPPPQ[3].
Molecular consequence: inframe insertion.
Genome position (GRCh38, 1-based): chr10:110,644,586-110,644,603, GCCGCCGCCGCCCCAGCC duplicated; duplicating any 18 consecutive bases within chr10:110,644,581-110,644,603 gives the same sequence; the c. name uses the placement nearest the transcript's 3' end. VCF-style (leftmost placement, unchanged base first): chr10-110644580-G-GCAGCCGCCGCCGCCGCCC. GRCh37 (hg19) VCF-style: chr10-112404338-G-GCAGCCGCCGCCGCCGCCC.
Other names: c.132_149dupGCCGCCGCCGCCCCAGCC (NM_001134363.1).
Identifiers: ClinVar variation 1002521 (VCV001002521.6), dbSNP rs1204097562, ClinGen allele CA596022009.
Genomic context (GRCh38, chr10:110,644,580, plus strand): 5'-TGCCTGCAGTGTGCCTGGTGCCCGGGCGTCCCCGGCACCCTCCGGCCCGCGAGGGATGCA[G>GCAGCCGCCGCCGCCGCCC]CAGCCGCCGCCGCCGCCCCAGCCACCGCCCCCGCCCCAAGCCGGCCTACCCCAGATCATC-3'

ClinVar aggregate classification (germline): Conflicting classifications of pathogenicity. Review status: criteria provided, conflicting classifications (1 of 4 stars). 3 submissions from 3 submitters: Uncertain significance (2); Likely benign (1). Last evaluated 2022-07-12.

Conditions:
Cardiovascular phenotype. Identifiers: MedGen CN230736.
Dilated cardiomyopathy 1DD (CMD1DD). Identifiers: Orphanet 154, MedGen C2750995, MONDO:0013168, OMIM 613172.

Submissions (3):

Labcorp Genetics (formerly Invitae), Labcorp
Classification: Uncertain significance for Dilated cardiomyopathy 1DD. Last evaluated: 2022-07-12. Review status: criteria provided, single submitter. Criteria: Invitae Variant Classification Sherloc (09022015). Collection method: clinical testing. Allele origin: germline.
Comment: This variant, c.132_149dup, results in the insertion of 6 amino acid(s) of the RBM20 protein (p.Pro50_Gln55dup), but otherwise preserves the integrity of the reading frame. This variant is present in population databases (no rsID available, gnomAD 0.01%). This variant has not been reported in the literature in individuals affected with RBM20-related conditions. Algorithms developed to predict the effect of sequence changes on RNA splicing suggest that this variant may create or strengthen a splice site. In summary, the available evidence is currently insufficient to determine the role of this variant in disease. Therefore, it has been classified as a Variant of Uncertain Significance.

Ambry Genetics
Classification: Likely benign for Cardiovascular phenotype. Last evaluated: 2021-03-13. Review status: criteria provided, single submitter. Criteria: Ambry Variant Classification Scheme 2023. Collection method: clinical testing. Allele origin: germline.

GeneDx
Classification: Uncertain significance. Last evaluated: 2019-12-12. Review status: criteria provided, single submitter. Criteria: GeneDx Variant Classification Process June 2021. Collection method: clinical testing. Allele origin: germline. Affected: yes.
Comment: Has not been previously published as pathogenic or benign to our knowledge; Not observed at a significant frequency in large population cohorts (Lek et al., 2016); In-frame insertion of 6 amino acids in a non-repeat region